The following is an entry in ClinVar:

ClinVar aggregate classification (germline): Uncertain significance (1 of 4 stars; one submission).

Allele frequency attached by ClinVar (database versions not stated): TOPMed below 0.00001.

Submission:

Labcorp Genetics (formerly Invitae), Labcorp
Classification: Uncertain significance. Last evaluated: 2022-07-05. Review status: criteria provided, single submitter. Criteria: Invitae Variant Classification Sherloc (09022015). Collection method: clinical testing. Allele origin: germline.
Comment: This sequence change replaces tyrosine, which is neutral and polar, with phenylalanine, which is neutral and non-polar, at codon 6167 of the ADGRV1 protein (p.Tyr6167Phe). This variant is not present in population databases (gnomAD no frequency). This variant has not been reported in the literature in individuals affected with ADGRV1-related conditions. ClinVar contains an entry for this variant (Variation ID: 1350361). Algorithms developed to predict the effect of missense changes on protein structure and function are either unavailable or do not agree on the potential impact of this missense change (SIFT: "Deleterious"; PolyPhen-2: "Possibly Damaging"; Align-GVGD: "Class C0"). In summary, the available evidence is currently insufficient to determine the role of this variant in disease. Therefore, it has been classified as a Variant of Uncertain Significance.

NM_032119.4(ADGRV1):c.18500A>T (p.Tyr6167Phe)

Gene: ADGRV1 (adhesion G protein-coupled receptor V1; plus strand). Cytogenetic location: 5q14.3.
Variant type: single nucleotide variant.
Coding change: c.18500A>T on transcript NM_032119.4 (MANE Select); coding-DNA position 18500, A replaced by T.
Protein change: p.Tyr6167Phe; replaces tyrosine 6167 with phenylalanine.
Molecular consequence: missense variant. On other transcripts: non-coding transcript variant (1).
Genome position (GRCh38, 1-based): chr5:91,150,097, A>T. VCF-style: chr5-91150097-A-T. GRCh37 (hg19) VCF-style: chr5-90445914-A-T.
Other names: short protein forms Y6167F.
Identifiers: ClinVar variation 1350361 (VCV001350361.3), dbSNP rs1795916285, ClinGen allele CA360432148.